The following is an entry in ClinVar:

ClinVar aggregate classification (germline): Conflicting classifications of pathogenicity. Review status: criteria provided, conflicting classifications (1 of 4 stars). 2 submissions from 2 submitters: Uncertain significance (1); Likely benign (1). Last evaluated 2024-11-20.

Conditions:
Hereditary cancer-predisposing syndrome. Also called: Tumor predisposition; Hereditary neoplastic syndrome; Hereditary Cancer Syndrome; Neoplastic Syndromes, Hereditary. Identifiers: Orphanet 140162, MedGen C0027672, MeSH D009386, MONDO:0015356.
Rhabdoid tumor predisposition syndrome 2 (RTPS2). Identifiers: Orphanet 231108, Orphanet 69077, MedGen C2750074, MONDO:0013224, OMIM 613325.

Submissions (2):

Labcorp Genetics (formerly Invitae), Labcorp
Classification: Uncertain significance for Rhabdoid tumor predisposition syndrome 2. Last evaluated: 2024-11-20. Review status: criteria provided, single submitter. Criteria: Invitae Variant Classification Sherloc (09022015). Collection method: clinical testing. Allele origin: germline.
Comment: This variant, c.698_699insACCTGG, results in the insertion of 2 amino acid(s) of the SMARCA4 protein (p.Gly243_Pro244dup), but otherwise preserves the integrity of the reading frame. This variant is not present in population databases (gnomAD no frequency). This variant has not been reported in the literature in individuals affected with SMARCA4-related conditions. ClinVar contains an entry for this variant (Variation ID: 937044). Experimental studies and prediction algorithms are not available or were not evaluated, and the functional significance of this variant is currently unknown. In summary, the available evidence is currently insufficient to determine the role of this variant in disease. Therefore, it has been classified as a Variant of Uncertain Significance.

Ambry Genetics
Classification: Likely benign for Hereditary cancer-predisposing syndrome. Last evaluated: 2021-04-13. Review status: criteria provided, single submitter. Criteria: Ambry Variant Classification Scheme 2023. Collection method: clinical testing. Allele origin: germline.

NM_003072.5(SMARCA4):c.698_699insACCTGG (p.229GP[9])

Gene: SMARCA4 (SWI/SNF related BAF chromatin remodeling complex subunit ATPase 4; plus strand). Cytogenetic location: 19p13.2.
Variant type: Insertion.
Coding change: c.698_699insACCTGG on transcript NM_003072.5 (MANE Select); coding-DNA positions 698 to 699, ACCTGG inserted.
Protein change: p.229GP[9].
Molecular consequence: inframe insertion. On other transcripts: non-coding transcript variant (1).
Genome position: GRCh38 VCF-style: chr19-10986526-C-CCCTGGA. GRCh37 (hg19) VCF-style: chr19-11097202-C-CCCTGGA.
Other names: c.698_699insACCTGG, p.229GP[9] (NM_001128844.3, NM_001128845.2, NM_001128846.2 and 4 more transcripts).
Identifiers: ClinVar variation 937044 (VCV000937044.10), dbSNP rs2086051201, ClinGen allele CA1139666254.